The following is an entry in ClinVar:

NM_006015.6(ARID1A):c.1354C>G (p.Pro452Ala)

Gene: ARID1A (AT-rich interaction domain 1A; plus strand). Cytogenetic location: 1p36.11.
Variant type: single nucleotide variant.
Coding change: c.1354C>G on transcript NM_006015.6 (MANE Select); coding-DNA position 1354, C replaced by G.
Protein change: p.Pro452Ala; replaces proline 452 with alanine.
Molecular consequence: missense variant.
Genome position (GRCh38, 1-based): chr1:26,731,155, C>G. VCF-style: chr1-26731155-C-G. GRCh37 (hg19) VCF-style: chr1-27057646-C-G.
Other names: c.1354C>G, p.Pro452Ala (NM_139135.4); short protein forms P452A.
Identifiers: ClinVar variation 3618166 (VCV003618166.2).

ClinVar aggregate classification (germline): Uncertain significance (1 of 4 stars; one submission).

Submission:

Labcorp Genetics (formerly Invitae), Labcorp
Classification: Uncertain significance. Last evaluated: 2024-11-27. Review status: criteria provided, single submitter. Criteria: Invitae Variant Classification Sherloc (09022015). Collection method: clinical testing. Allele origin: germline.
Comment: This sequence change replaces proline, which is neutral and non-polar, with alanine, which is neutral and non-polar, at codon 452 of the ARID1A protein (p.Pro452Ala). This variant is not present in population databases (gnomAD no frequency). This variant has not been reported in the literature in individuals affected with ARID1A-related conditions. Invitae Evidence Modeling of protein sequence and biophysical properties (such as structural, functional, and spatial information, amino acid conservation, physicochemical variation, residue mobility, and thermodynamic stability) indicates that this missense variant is not expected to disrupt ARID1A protein function with a negative predictive value of 95%. In summary, the available evidence is currently insufficient to determine the role of this variant in disease. Therefore, it has been classified as a Variant of Uncertain Significance.